The following is an entry in ClinVar:

NM_000152.5(GAA):c.2074C>T (p.Gln692Ter)

Gene: GAA (alpha glucosidase; plus strand). Cytogenetic location: 17q25.3.
Variant type: single nucleotide variant.
Coding change: c.2074C>T on transcript NM_000152.5 (MANE Select); coding-DNA position 2074, C replaced by T.
Protein change: p.Gln692Ter; replaces glutamine 692 with a stop codon.
Molecular consequence: nonsense.
Genome position (GRCh38, 1-based): chr17:80,113,251, C>T. VCF-style: chr17-80113251-C-T. GRCh37 (hg19) VCF-style: chr17-78087050-C-T.
Other names: c.2074C>T, p.Gln692Ter (NM_001079803.3, NM_001079804.3); short protein forms Q692*.
Identifiers: ClinVar variation 810666 (VCV000810666.12), dbSNP rs2039287628, ClinGen allele CA401370437.

ClinVar aggregate classification (germline): Pathogenic. Review status: criteria provided, multiple submitters, no conflicts (2 of 4 stars). 4 submissions from 4 submitters: Pathogenic (2). 2 of the submissions do not count toward it. Last evaluated 2026-07-01.

Conditions:
Glycogen storage disease, type II (IOPD). Also called: Glycogen storage disease type 2; Acid maltase deficiency disease; Aglucosidase alfa; Deficiency of alpha-glucosidase; Deficiency of lysosomal alpha-glucosidase; POMPE DISEASE, INFANTILE-ONSET. Identifiers: Orphanet 365, MedGen C0017921, MONDO:0009290, OMIM 232300.
Glycogen storage disease due to acid maltase deficiency, late-onset (LOPD). Also called: POMPE DISEASE, LATE-ONSET; GLYCOGEN STORAGE DISEASE II, LATE-ONSET; ACID ALPHA-GLUCOSIDASE DEFICIENCY, LATE-ONSET; GAA DEFICIENCY, LATE-ONSET; ACID MALTASE DEFICIENCY, LATE-ONSET; AMD, LATE-ONSET. Identifiers: Orphanet 420429, MedGen C0342753, MONDO:0018485, OMIM 621314.

Submissions (4):

Genomenon, Inc
Classification: Pathogenic for Glycogen storage disease, type II. Last evaluated: 2026-07-01. Review status: criteria provided, single submitter. Criteria: Genomenon Sequence Variant Interpretation Standards - Updated. Collection method: curation. Allele origin: germline. Affected: yes.
Comment: GAA p.Gln692Ter (c.2074C>T) is a nonsense variant that introduces a premature stop codon at amino acid position 692 and is predicted to result in a truncated or absent protein product. This variant has been observed in at least one proband with a GAA-related disorder (PMID:32012848). It is absent or not present at a significant frequency in gnomAD. In conclusion, we classify GAA p.Gln692Ter (c.2074C>T) as a pathogenic variant.

Labcorp Genetics (formerly Invitae), Labcorp
Classification: Pathogenic for Glycogen storage disease, type II. Last evaluated: 2025-04-30. Review status: criteria provided, single submitter. Criteria: Invitae Variant Classification Sherloc (09022015). Collection method: clinical testing. Allele origin: germline.
Comment: This sequence change creates a premature translational stop signal (p.Gln692*) in the GAA gene. It is expected to result in an absent or disrupted protein product. Loss-of-function variants in GAA are known to be pathogenic (PMID: 18425781, 22252923). This variant is not present in population databases (gnomAD no frequency). This variant has not been reported in the literature in individuals affected with GAA-related conditions. ClinVar contains an entry for this variant (Variation ID: 810666). For these reasons, this variant has been classified as Pathogenic.

OMIM
Classification: Pathogenic for POMPE DISEASE, LATE-ONSET. Last evaluated: 2025-08-25. Review status: no assertion criteria provided. Collection method: literature only. Allele origin: germline. Not counted in ClinVar's aggregate classification.

Molecular Therapies Laboratory, Murdoch University
Classification: Pathogenic for Glycogen storage disease, type II. Review status: no assertion criteria provided. Collection method: clinical testing. Allele origin: germline. Affected: yes. Observed: 1 variant allele. Not counted in ClinVar's aggregate classification.
Comment: Mildly elevated CK (320 units); type 2 repiratory failure (pCO^2 55 mmHg); low GAA enzyme activity (<0.1 units); elevated urine tetrasaccharides (61 units)

Literature cited by the submitters: PubMed 32012848 (cited by 3 submitters); PubMed 18425781 (cited by Labcorp Genetics (formerly Invitae), Labcorp); PubMed 22252923 (cited by Labcorp Genetics (formerly Invitae), Labcorp); PubMed 32317649 (cited by Molecular Therapies Laboratory, Murdoch University).